The following is an entry in ClinVar:

NM_000094.4(COL7A1):c.2146A>G (p.Arg716Gly)

Gene: COL7A1 (collagen type VII alpha 1 chain; minus strand). Cytogenetic location: 3p21.31.
Variant type: single nucleotide variant.
Coding change: c.2146A>G on transcript NM_000094.4 (MANE Select); coding-DNA position 2146, A replaced by G.
Protein change: p.Arg716Gly; replaces arginine 716 with glycine.
Molecular consequence: missense variant.
Genome position (GRCh38, 1-based): chr3:48,589,623, T>C on the plus strand (A>G on the coding strand, the complement: COL7A1 is on the minus strand). VCF-style: chr3-48589623-T-C. GRCh37 (hg19) VCF-style: chr3-48627056-T-C.
Other names: short protein forms R716G.
Identifiers: ClinVar variation 345867 (VCV000345867.18), dbSNP rs143040168, ClinGen allele CA2380981.

ClinVar aggregate classification (germline): Conflicting classifications of pathogenicity. Review status: criteria provided, conflicting classifications (1 of 4 stars). 6 submissions from 6 submitters: Uncertain significance (4); Likely benign (1). 1 of the submissions does not count toward it. Last evaluated 2025-11-12.

Conditions:
Inborn genetic diseases. Identifiers: MedGen C0950123, MeSH D030342.
COL7A1-related disorder. Also called: COL7A1- related disorders; COL7A1-related condition.
Epidermolysis bullosa dystrophica. Also called: Dystrophic epidermolysis bullosa; Dystrophic epidermolysis bullosa, Hallopeau-Siemens type (formerly). Identifiers: Orphanet 303, MedGen C0079294, MONDO:0006543.

Allele frequency attached by ClinVar (database versions not stated): gnomAD exomes 0.00009 and 0.00028; ExAC 0.00011; gnomAD 0.00018; 1000 Genomes Project 0.00040; ESP Exome Variant Server 0.00046; 1000 Genomes Project 30x 0.00047.
gnomAD v4.1: 435 of 1,602,880 alleles (0.027%); highest among the groups gnomAD compares: Non-Finnish European, 0.035%; no homozygotes.

Submissions (6):

Labcorp Genetics (formerly Invitae), Labcorp
Classification: Likely benign. Last evaluated: 2025-11-12. Review status: criteria provided, single submitter. Criteria: Invitae Variant Classification Sherloc (09022015). Collection method: clinical testing. Allele origin: germline.

PreventionGenetics, part of Exact Sciences
Classification: Uncertain significance for COL7A1-related condition. Last evaluated: 2025-11-12. Review status: criteria provided, single submitter. Criteria: ACMG Guidelines, 2015. Collection method: clinical testing. Allele origin: germline.
Comment: The COL7A1 c.2146A>G variant is predicted to result in the amino acid substitution p.Arg716Gly. To our knowledge, this variant has not been reported in the literature. This variant is reported in 0.018% of alleles in individuals of European (Non-Finnish) descent in gnomAD. At this time, the clinical significance of this variant is uncertain due to the absence of conclusive functional and genetic evidence.

Ambry Genetics
Classification: Uncertain significance for Inborn genetic diseases. Last evaluated: 2024-05-15. Review status: criteria provided, single submitter. Criteria: Ambry Variant Classification Scheme 2023. Collection method: clinical testing. Allele origin: germline.

GeneDx
Classification: Uncertain significance. Last evaluated: 2021-09-20. Review status: criteria provided, single submitter. Criteria: GeneDx Variant Classification Process June 2021. Collection method: clinical testing. Allele origin: germline. Affected: yes.
Comment: Has not been previously published as pathogenic or benign to our knowledge; In silico analysis supports that this missense variant does not alter protein structure/function

Illumina Laboratory Services, Illumina
Classification: Uncertain significance for Dystrophic epidermolysis bullosa. Last evaluated: 2018-01-13. Review status: criteria provided, single submitter. Criteria: ICSL Variant Classification Criteria 13 December 2019. Collection method: clinical testing. Allele origin: germline.

Natera, Inc.
Classification: Uncertain significance for Dystrophic epidermolysis bullosa. Last evaluated: 2021-09-15. Review status: no assertion criteria provided. Collection method: clinical testing. Allele origin: germline. Not counted in ClinVar's aggregate classification.